The following is an entry in ClinVar:

ClinVar aggregate classification (germline): Uncertain significance (1 of 4 stars; one submission).

Allele frequency attached by ClinVar (database versions not stated): gnomAD exomes below 0.00001.
gnomAD v4.1: 6 of 1,548,046 alleles (0.00039%); highest among the groups gnomAD compares: African/African-American, 0.0027%; no homozygotes.

Submission:

Labcorp Genetics (formerly Invitae), Labcorp
Classification: Uncertain significance. Last evaluated: 2022-10-07. Review status: criteria provided, single submitter. Criteria: Invitae Variant Classification Sherloc (09022015). Collection method: clinical testing. Allele origin: germline.
Comment: This sequence change replaces threonine, which is neutral and polar, with proline, which is neutral and non-polar, at codon 714 of the ZNF469 protein (p.Thr714Pro). In summary, the available evidence is currently insufficient to determine the role of this variant in disease. Therefore, it has been classified as a Variant of Uncertain Significance. Algorithms developed to predict the effect of missense changes on protein structure and function are either unavailable or do not agree on the potential impact of this missense change (SIFT: "Deleterious"; PolyPhen-2: "Benign"; Align-GVGD: "Class C0"). This variant has not been reported in the literature in individuals affected with ZNF469-related conditions. This variant is not present in population databases (gnomAD no frequency).

NM_001367624.2(ZNF469):c.2140A>C (p.Thr714Pro)

Gene: ZNF469 (zinc finger protein 469; plus strand). Cytogenetic location: 16q24.2.
Variant type: single nucleotide variant.
Coding change: c.2140A>C on transcript NM_001367624.2 (MANE Select); coding-DNA position 2140, A replaced by C.
Protein change: p.Thr714Pro; replaces threonine 714 with proline.
Molecular consequence: missense variant.
Genome position (GRCh38, 1-based): chr16:88,429,610, A>C. VCF-style: chr16-88429610-A-C. GRCh37 (hg19) VCF-style: chr16-88496018-A-C.
Other names: short protein forms T714P.
Identifiers: ClinVar variation 1967512 (VCV001967512.5), dbSNP rs2507577645, ClinGen allele CA397070026.